The following is an entry in ClinVar:

NM_024514.5(CYP2R1):c.112G>A (p.Gly38Ser)

Genes: CYP2R1 (cytochrome P450 family 2 subfamily R member 1; minus strand), PDE3B (phosphodiesterase 3B; plus strand). Cytogenetic location: 11p15.2.
Variant type: single nucleotide variant.
Coding change: c.112G>A on transcript NM_024514.5 (MANE Select); coding-DNA position 112, G replaced by A.
Protein change: p.Gly38Ser; replaces glycine 38 with serine.
Molecular consequence: missense variant. On other transcripts: intron variant (1).
Genome position (GRCh38, 1-based): chr11:14,892,094, C>T on the plus strand (G>A on the coding strand, the complement: CYP2R1 is on the minus strand). VCF-style: chr11-14892094-C-T. GRCh37 (hg19) VCF-style: chr11-14913640-C-T.
Other names: c.-121+271G>A (NM_001400558.1); short protein forms G38S.
Identifiers: ClinVar variation 1939745 (VCV001939745.4), dbSNP rs369169255, ClinGen allele CA5896805.

ClinVar aggregate classification (germline): Uncertain significance. Review status: criteria provided, multiple submitters, no conflicts (2 of 4 stars). 2 submissions from 2 submitters: Uncertain significance (2). Last evaluated 2025-10-03.

Conditions:
Vitamin D hydroxylation-deficient rickets, type 1B. Also called: Rickets due to Defect in Vitamin D 25-hydroxylation; PSEUDOVITAMIN D3 DEFICIENCY RICKETS DUE TO 25-HYDROXYLASE DEFICIENCY; VITAMIN D-DEPENDENT RICKETS, TYPE 1B. Identifiers: Orphanet 289157, MedGen C1838657, MONDO:0010810, OMIM 600081.

Allele frequency attached by ClinVar (database versions not stated): TOPMed 0.00002; ExAC 0.00002; gnomAD 0.00003; ESP Exome Variant Server 0.00008; 1000 Genomes Project 30x 0.00016.
gnomAD v4.1: 31 of 1,611,638 alleles (0.0019%); highest among the groups gnomAD compares: Non-Finnish European, 0.0026%; no homozygotes.

Submissions (2):

Rare Kidney Stone Consortium and the Mayo Clinic Hyperoxaluria Center, Mayo Clinic
Classification: Uncertain significance for Vitamin D hydroxylation-deficient rickets, type 1B. Last evaluated: 2025-10-03. Review status: criteria provided, single submitter. Criteria: ACMG Guidelines, 2015. Collection method: research. Allele origin: germline. Observed: 1 variant allele.
Comment: ACMG:PM2, PP2, BP4

Labcorp Genetics (formerly Invitae), Labcorp
Classification: Uncertain significance. Last evaluated: 2022-05-27. Review status: criteria provided, single submitter. Criteria: Invitae Variant Classification Sherloc (09022015). Collection method: clinical testing. Allele origin: germline.
Comment: In summary, the available evidence is currently insufficient to determine the role of this variant in disease. Therefore, it has been classified as a Variant of Uncertain Significance. Algorithms developed to predict the effect of missense changes on protein structure and function output the following: SIFT: "Deleterious"; PolyPhen-2: "Possibly Damaging"; Align-GVGD: "Class C0". The serine amino acid residue is found in multiple mammalian species, which suggests that this missense change does not adversely affect protein function. This variant has not been reported in the literature in individuals affected with CYP2R1-related conditions. This variant is present in population databases (rs369169255, gnomAD 0.002%). This sequence change replaces glycine, which is neutral and non-polar, with serine, which is neutral and polar, at codon 38 of the CYP2R1 protein (p.Gly38Ser).

Literature cited by the submitters: PubMed 40794449 (cited by Rare Kidney Stone Consortium and the Mayo Clinic Hyperoxaluria Center, Mayo Clinic).